The following is an entry in ClinVar:

NM_023067.4(FOXL2):c.210C>A (p.Ser70Arg)

Gene: FOXL2 (forkhead box L2; minus strand). Cytogenetic location: 3q22.3.
Variant type: single nucleotide variant.
Coding change: c.210C>A on transcript NM_023067.4 (MANE Select); coding-DNA position 210, C replaced by A.
Protein change: p.Ser70Arg; replaces serine 70 with arginine.
Molecular consequence: missense variant.
Genome position (GRCh38, 1-based): chr3:138,946,513, G>T on the plus strand (C>A on the coding strand, the complement: FOXL2 is on the minus strand). VCF-style: chr3-138946513-G-T. GRCh37 (hg19) VCF-style: chr3-138665355-G-T.
Other names: short protein forms S70R.
Identifiers: ClinVar variation 2431395 (VCV002431395.2), dbSNP rs2107744863, ClinGen allele CA354707320.

ClinVar aggregate classification (germline): Uncertain significance (1 of 4 stars; one submission).

Conditions:
Blepharophimosis, ptosis, and epicanthus inversus syndrome. Identifiers: Orphanet 126, MedGen C0220663, MONDO:0007201, OMIM 110100.

Submission:

Laboratorio de Genetica e Diagnostico Molecular, Hospital Israelita Albert Einstein
Classification: Uncertain significance for Blepharophimosis, ptosis, and epicanthus inversus syndrome. Last evaluated: 2022-11-18. Review status: criteria provided, single submitter. Criteria: ACMG Guidelines, 2015. Collection method: clinical testing. Allele origin: germline. Affected: yes.
Comment: ACMG classification criteria: PM2 moderated, PP3 supporting